The following is an entry in ClinVar:

ClinVar aggregate classification (germline): Pathogenic/Likely pathogenic. Review status: criteria provided, multiple submitters, no conflicts (2 of 4 stars). 2 submissions from 2 submitters: Pathogenic (1); Likely pathogenic (1). Last evaluated 2019-07-06.

Conditions:
Type 2 diabetes mellitus. Also called: Type II diabetes mellitus. Identifiers: MedGen C0011860, MeSH D003924, MONDO:0005148, OMIM 125853, HP:0005978.
Renal cysts and diabetes syndrome (RCAD). Also called: Familial hypoplastic, glomerulocystic kidney; MATURITY-ONSET DIABETES OF THE YOUNG, TYPE 5. Identifiers: Orphanet 93111, MedGen C0431693, MONDO:0007669, OMIM 137920.

Submissions (2):

Institute of Human Genetics, FAU Erlangen, Friedrich-Alexander-Universität Erlangen-Nürnberg
Classification: Pathogenic for Renal cysts and diabetes syndrome. Last evaluated: 2019-07-06. Review status: criteria provided, single submitter. Criteria: ACMG Guidelines, 2015. Collection method: literature only. Allele origin: germline. Affected: yes.
Comment: This variant and it's classification has been reported by Vasileiou et al. 2019; DOI:10.1101/576918. The variants has previously been reported in PMID:25700310; PMID:23539225; PMID:25536396 as "c.717dupG; c.717dupG" with clinical significance Pathogenic. It has been re-classified using InterVar and manual curation as Pathogenic based on PVS1 PM2 PP3.

Clinical Genomics, Uppaluri K&H Personalized Medicine Clinic
Classification: Likely pathogenic for Type 2 diabetes mellitus. Review status: criteria provided, single submitter. Criteria: K And H Uppaluri Personalized Medicine Clinic Variant Classification And Assertion Criteria Updated V 2. Collection method: research. Allele origin: unknown. Inheritance: Autosomal dominant inheritance.
Comment: Potent mutations in HNF1B gene are associated with early onset diabetes and pancreatic atrophy. It is also associated with multiple renal manifestations including renal cysts, Tubulointerstitial disease, glomerulocystic disease, renal hypoplasia, hypomagnesemia.However no sufficient evidence is found to ascertain the role of this particular variant rs1598842892, yet.

Literature cited by the submitters: PubMed 25700310 (cited by Institute of Human Genetics, FAU Erlangen, Friedrich-Alexander-Universität Erlangen-Nürnberg); PubMed 23539225 (cited by Institute of Human Genetics, FAU Erlangen, Friedrich-Alexander-Universität Erlangen-Nürnberg); PubMed 25536396 (cited by Institute of Human Genetics, FAU Erlangen, Friedrich-Alexander-Universität Erlangen-Nürnberg and Clinical Genomics, Uppaluri K&H Personalized Medicine Clinic); DOI 10.1101/576918 (cited by Institute of Human Genetics, FAU Erlangen, Friedrich-Alexander-Universität Erlangen-Nürnberg); PubMed 24897035 (cited by Clinical Genomics, Uppaluri K&H Personalized Medicine Clinic); PubMed 27615128 (cited by Clinical Genomics, Uppaluri K&H Personalized Medicine Clinic); PubMed 28215227 (cited by Clinical Genomics, Uppaluri K&H Personalized Medicine Clinic); PubMed 33434175 (cited by Clinical Genomics, Uppaluri K&H Personalized Medicine Clinic); PubMed 25741167 (cited by Clinical Genomics, Uppaluri K&H Personalized Medicine Clinic); PubMed 26340261 (cited by Clinical Genomics, Uppaluri K&H Personalized Medicine Clinic); PubMed 19639018 (cited by Clinical Genomics, Uppaluri K&H Personalized Medicine Clinic).

NM_000458.4(HNF1B):c.717dup (p.Pro240fs)

Genes: HNF1B (HNF1 homeobox B; minus strand), LOC126862549 (BRD4-independent group 4 enhancer GRCh37_chr17:36093401-36094600; plus strand). Cytogenetic location: 17q12.
Variant type: Duplication.
Coding change: c.717dup on transcript NM_000458.4 (MANE Select); coding-DNA position 717, one base duplicated (G; older notation c.717dupG).
Protein change: p.Pro240fs; shifts the reading frame from proline 240.
Molecular consequence: frameshift variant.
Genome position (GRCh38, 1-based): chr17:37,733,649, C duplicated on the plus strand (G on the coding strand, the reverse complement: HNF1B is on the minus strand); the first of 5 consecutive C bases (chr17:37,733,649-37,733,653); duplicating any one gives the same sequence. VCF-style (leftmost placement, unchanged base first): chr17-37733648-G-GC. GRCh37 (hg19) VCF-style: chr17-36093641-G-GC.
Other names: c.639dup, p.Pro214fs (NM_001165923.4, NM_001304286.2); short protein forms P214fs, P240fs.
Identifiers: ClinVar variation 635659 (VCV000635659.2), dbSNP rs1598842892, ClinGen allele CA913190783.
Genomic context (GRCh38, chr17:37,733,648, plus strand): 5'-CTTCCTTGCTGGGGTTCTTTTGCCGATCGTAGGCCTGGTACAAGATTTGCTGGGACGCGG[G>GC]CCCCCATTTGAACCGGTTGCGGCGCATCTTCTTGTTGGTGGGCTCAGAGCAGGCATCATC-3'